The following is an entry in ClinVar:

NM_001371333.1(DIABLO):c.-13C>A

Genes: DIABLO (diablo IAP-binding mitochondrial protein; minus strand), LOC130009040 (ATAC-STARR-seq lymphoblastoid active region 7211; plus strand). Cytogenetic location: 12q24.31.
Variant type: single nucleotide variant.
Coding change: c.-13C>A on transcript NM_001371333.1 (MANE Select); 13 bases upstream of the start codon, C replaced by A.
Molecular consequence: 5 prime UTR variant.
Genome position (GRCh38, 1-based): chr12:122,226,027, G>T on the plus strand (C>A on the coding strand, the complement: DIABLO is on the minus strand). VCF-style: chr12-122226027-G-T. GRCh37 (hg19) VCF-style: chr12-122710574-G-T.
Other names: c.-143C>A (NM_001278302.1, NM_138930.3); c.-99C>A (NM_001278303.1); c.-13C>A (NM_001278342.1, NM_019887.6).
Identifiers: ClinVar variation 3902486 (VCV003902486.1).

ClinVar aggregate classification (germline): Uncertain significance (1 of 4 stars; one submission).

gnomAD v4.1: 277 of 1,601,034 alleles (0.017%); highest among the groups gnomAD compares: South Asian, 0.031%; no homozygotes.

Submission:

Women's Health and Genetics/Laboratory Corporation of America, LabCorp
Classification: Uncertain significance. Last evaluated: 2025-05-06. Review status: criteria provided, single submitter. Criteria: LabCorp Variant Classification Summary - May 2015. Collection method: clinical testing. Allele origin: germline.
Comment: Variant summary: DIABLO c.-13C>A is located in the untranslated mRNA region upstream of the initiation codon. The variant allele was found at a frequency of 0.00012 in 225058 control chromosomes. This frequency is not significantly higher than estimated for a pathogenic variant in DIABLO causing Autosomal Dominant Nonsyndromic Hearing Loss 64, allowing no conclusion about variant significance. To our knowledge, no occurrence of c.-13C>A in individuals affected with Autosomal Dominant Nonsyndromic Hearing Loss 64 and no experimental evidence demonstrating its impact on protein function have been reported. No submitters have cited clinical-significance assessments for this variant to ClinVar. Based on the evidence outlined above, the variant was classified as uncertain significance.